The following is an entry in ClinVar:

NM_020203.6(MEPE):c.1441C>T (p.Arg481Trp)

Genes: MEPE (matrix extracellular phosphoglycoprotein; plus strand), MEPE-AS1 (MEPE and IBSP antisense RNA 1; minus strand). Cytogenetic location: 4q22.1.
Variant type: single nucleotide variant.
Coding change: c.1441C>T on transcript NM_020203.6 (MANE Select); coding-DNA position 1441, C replaced by T.
Protein change: p.Arg481Trp; replaces arginine 481 with tryptophan.
Molecular consequence: missense variant.
Genome position (GRCh38, 1-based): chr4:87,846,309, C>T. VCF-style: chr4-87846309-C-T. GRCh37 (hg19) VCF-style: chr4-88767461-C-T.
Other names: c.1441C>T, p.Arg481Trp (NM_001184694.3); c.1102C>T, p.Arg368Trp (NM_001184695.4, NM_001184696.2, NM_001184697.2); c.1534C>T, p.Arg512Trp (NM_001291183.2); short protein forms R481W, R368W, R512W.
Identifiers: ClinVar variation 767962 (VCV000767962.7), dbSNP rs61731015, ClinGen allele CA3002850.

ClinVar aggregate classification (germline): Benign. Review status: criteria provided, multiple submitters, no conflicts (2 of 4 stars). 3 submissions from 3 submitters: Benign (2). 1 of the submissions does not count toward it. Last evaluated 2019-12-31.

Conditions:
MEPE-related disorder. Also called: MEPE-related condition.

Allele frequency attached by ClinVar (database versions not stated): ExAC 0.00247; ESP Exome Variant Server 0.00623; gnomAD 0.00659; TOPMed 0.00724; 1000 Genomes Project 0.01178; 1000 Genomes Project 30x 0.01280.

Submissions (3):

Labcorp Genetics (formerly Invitae), Labcorp
Classification: Benign. Last evaluated: 2019-12-31. Review status: criteria provided, single submitter. Criteria: Invitae Variant Classification Sherloc (09022015). Collection method: clinical testing. Allele origin: germline.

Breakthrough Genomics
Classification: Benign. Review status: criteria provided, single submitter. Criteria: ACMG Guidelines, 2015. Collection method: not provided. Allele origin: germline. Inheritance: Unknown mechanism. Affected: yes.

PreventionGenetics, part of Exact Sciences
Classification: Benign for MEPE-related condition. Last evaluated: 2019-10-28. Review status: no assertion criteria provided. Collection method: clinical testing. Allele origin: germline. Not counted in ClinVar's aggregate classification.
Comment: This variant is classified as benign based on ACMG/AMP sequence variant interpretation guidelines (Richards et al. 2015 PMID: 25741868, with internal and published modifications).